The following is an entry in ClinVar:

ClinVar aggregate classification (germline): Uncertain significance (1 of 4 stars; one submission).

Conditions:
Inborn genetic diseases. Identifiers: MedGen C0950123, MeSH D030342.

Submission:

Ambry Genetics
Classification: Uncertain significance for Inborn genetic diseases. Last evaluated: 2025-03-09. Review status: criteria provided, single submitter. Criteria: Ambry Variant Classification Scheme 2023. Collection method: clinical testing. Allele origin: germline.
Comment: The p.M846T variant (also known as c.2537T>C), located in coding exon 12 of the BMPR2 gene, results from a T to C substitution at nucleotide position 2537. The methionine at codon 846 is replaced by threonine, an amino acid with similar properties. This amino acid position is conserved. In addition, the in silico prediction for this alteration is inconclusive. Based on the available evidence, the clinical significance of this variant remains unclear.

NM_001204.7(BMPR2):c.2537T>C (p.Met846Thr)

Gene: BMPR2 (bone morphogenetic protein receptor type 2; plus strand). Cytogenetic location: 2q33.2.
Variant type: single nucleotide variant.
Coding change: c.2537T>C on transcript NM_001204.7 (MANE Select); coding-DNA position 2537, T replaced by C.
Protein change: p.Met846Thr; replaces methionine 846 with threonine.
Molecular consequence: missense variant.
Genome position (GRCh38, 1-based): chr2:202,556,202, T>C. VCF-style: chr2-202556202-T-C. GRCh37 (hg19) VCF-style: chr2-203420925-T-C.
Other names: short protein forms M846T.
Identifiers: ClinVar variation 3824956 (VCV003824956.1).